The following is an entry in ClinVar:

NM_000435.3(NOTCH3):c.6767C>T (p.Ala2256Val)

Gene: NOTCH3 (notch receptor 3; minus strand). Cytogenetic location: 19p13.12.
Variant type: single nucleotide variant.
Coding change: c.6767C>T on transcript NM_000435.3 (MANE Select); coding-DNA position 6767, C replaced by T.
Protein change: p.Ala2256Val; replaces alanine 2256 with valine.
Molecular consequence: missense variant.
Genome position (GRCh38, 1-based): chr19:15,160,861, G>A on the plus strand (C>T on the coding strand, the complement: NOTCH3 is on the minus strand). VCF-style: chr19-15160861-G-A. GRCh37 (hg19) VCF-style: chr19-15271672-G-A.
Other names: short protein forms A2256V.
Identifiers: ClinVar variation 2901728 (VCV002901728.3), dbSNP rs1467189262, ClinGen allele CA404486328.
Genomic context (GRCh38, chr19:15,160,861, plus strand): 5'-GCAGTGGCTGGGCTAGGCGTGGATTCGGACCAGTCTGAGAGGGAGGGAGGTGAGGGGCTG[G>A]CCCAGTGCTCAGGGGATTCGGGGGATGGGGTCAGGTAAGGGTGCTCACTGGGAACCCGCA-3'
Protein context (NP_000426.2, residues 2246-2266): TPSPESPEHW[Ala2256Val]SPSPPSLSDW

ClinVar aggregate classification (germline): Uncertain significance (1 of 4 stars; one submission).

Allele frequency attached by ClinVar (database versions not stated): gnomAD exomes below 0.00001.
gnomAD v4.1: 4 of 1,613,894 alleles (0.00025%); highest among the groups gnomAD compares: Middle Eastern, 0.016%; no homozygotes.

Submission:

Labcorp Genetics (formerly Invitae), Labcorp
Classification: Uncertain significance. Last evaluated: 2024-10-23. Review status: criteria provided, single submitter. Criteria: Invitae Variant Classification Sherloc (09022015). Collection method: clinical testing. Allele origin: germline.
Comment: This sequence change replaces alanine, which is neutral and non-polar, with valine, which is neutral and non-polar, at codon 2256 of the NOTCH3 protein (p.Ala2256Val). This variant is present in population databases (no rsID available, gnomAD 0.0009%). This variant has not been reported in the literature in individuals affected with NOTCH3-related conditions. Invitae Evidence Modeling of protein sequence and biophysical properties (such as structural, functional, and spatial information, amino acid conservation, physicochemical variation, residue mobility, and thermodynamic stability) indicates that this missense variant is not expected to disrupt NOTCH3 protein function with a negative predictive value of 95%. In summary, the available evidence is currently insufficient to determine the role of this variant in disease. Therefore, it has been classified as a Variant of Uncertain Significance.